The following is an entry in ClinVar:

ClinVar aggregate classification (germline): Uncertain significance. Review status: criteria provided, multiple submitters, no conflicts (2 of 4 stars). 2 submissions from 2 submitters: Uncertain significance (2). Last evaluated 2024-01-01.

Allele frequency attached by ClinVar (database versions not stated): gnomAD exomes 0.00001; TOPMed below 0.00001; ExAC 0.00001.
gnomAD v4.1: 19 of 1,211,447 alleles (0.0016%); highest among the groups gnomAD compares: Middle Eastern, 0.023%; no homozygotes.

Submissions (2):

CeGaT Center for Human Genetics Tuebingen
Classification: Uncertain significance. Last evaluated: 2024-01-01. Review status: criteria provided, single submitter. Criteria: CeGaT Center For Human Genetics Tuebingen Variant Classification Criteria Version 2. Collection method: clinical testing. Allele origin: germline. Affected: yes. Observed: 1 variant allele.
Comment: RS1: PM2

Labcorp Genetics (formerly Invitae), Labcorp
Classification: Uncertain significance. Last evaluated: 2022-09-13. Review status: criteria provided, single submitter. Criteria: Invitae Variant Classification Sherloc (09022015). Collection method: clinical testing. Allele origin: germline.
Comment: This sequence change replaces arginine, which is basic and polar, with histidine, which is basic and polar, at codon 160 of the RS1 protein (p.Arg160His). This variant is present in population databases (rs758816133, gnomAD 0.001%). This variant has not been reported in the literature in individuals affected with RS1-related conditions. ClinVar contains an entry for this variant (Variation ID: 1355963). Advanced modeling of protein sequence and biophysical properties (such as structural, functional, and spatial information, amino acid conservation, physicochemical variation, residue mobility, and thermodynamic stability) performed at Invitae indicates that this missense variant is not expected to disrupt RS1 protein function. In summary, the available evidence is currently insufficient to determine the role of this variant in disease. Therefore, it has been classified as a Variant of Uncertain Significance.

NM_000330.4(RS1):c.479G>A (p.Arg160His)

Genes: CDKL5 (cyclin dependent kinase like 5; plus strand), RS1 (retinoschisin 1; minus strand). Cytogenetic location: Xp22.13.
Variant type: single nucleotide variant.
Coding change: c.479G>A on transcript NM_000330.4 (MANE Select); coding-DNA position 479, G replaced by A.
Protein change: p.Arg160His; replaces arginine 160 with histidine.
Molecular consequence: missense variant. On other transcripts: intron variant (2).
Genome position (GRCh38, 1-based): chrX:18,644,473, C>T on the plus strand (G>A on the coding strand, the complement: RS1 is on the minus strand). VCF-style: chrX-18644473-C-T. GRCh37 (hg19) VCF-style: chrX-18662593-C-T.
Other names: c.2714-1534C>T (NM_003159.3, NM_001037343.2); short protein forms R160H.
Identifiers: ClinVar variation 1355963 (VCV001355963.26), dbSNP rs758816133, ClinGen allele CA10360633.